The following is an entry in ClinVar:

NM_000246.4(CIITA):c.1226G>A (p.Arg409Gln)

Gene: CIITA (class II major histocompatibility complex transactivator; plus strand). Cytogenetic location: 16p13.13.
Variant type: single nucleotide variant.
Coding change: c.1226G>A on transcript NM_000246.4 (MANE Select); coding-DNA position 1226, G replaced by A.
Protein change: p.Arg409Gln; replaces arginine 409 with glutamine.
Molecular consequence: missense variant. On other transcripts: intron variant (1).
Genome position (GRCh38, 1-based): chr16:10,906,718, G>A. VCF-style: chr16-10906718-G-A. GRCh37 (hg19) VCF-style: chr16-11000575-G-A.
Other names: c.1229G>A, p.Arg410Gln (NM_001286402.1, NM_001379332.1); c.1082G>A, p.Arg361Gln (NM_001379330.1); c.1079G>A, p.Arg360Gln (NM_001379331.1); c.1226G>A, p.Arg409Gln (NM_001379333.1); c.1157G>A, p.Arg386Gln (NM_001379334.1); c.859+1906G>A (NM_001286403.2); short protein forms R409Q, R386Q, R410Q, R361Q, R360Q.
Identifiers: ClinVar variation 1398804 (VCV001398804.5), dbSNP rs745358587, ClinGen allele CA7900086.

ClinVar aggregate classification (germline): Uncertain significance (1 of 4 stars; one submission).

Conditions:
MHC class II deficiency. Also called: BLS, TYPE II; Bare lymphocyte syndrome 2. Identifiers: Orphanet 572, MedGen C5447452, MONDO:0008855.

Allele frequency attached by ClinVar (database versions not stated): gnomAD 0.00003 and 0.00021; TOPMed 0.00026; ExAC 0.00001; gnomAD exomes 0.00001 and 0.00002.
gnomAD v4.1: 39 of 1,611,326 alleles (0.0024%); highest among the groups gnomAD compares: African/African-American, 0.0053%; 2 homozygotes.

Submission:

Labcorp Genetics (formerly Invitae), Labcorp
Classification: Uncertain significance for MHC class II deficiency. Last evaluated: 2022-10-11. Review status: criteria provided, single submitter. Criteria: Invitae Variant Classification Sherloc (09022015). Collection method: clinical testing. Allele origin: germline.
Comment: This sequence change replaces arginine, which is basic and polar, with glutamine, which is neutral and polar, at codon 409 of the CIITA protein (p.Arg409Gln). This variant is present in population databases (rs745358587, gnomAD 0.008%). This variant has not been reported in the literature in individuals affected with CIITA-related conditions. ClinVar contains an entry for this variant (Variation ID: 1398804). Algorithms developed to predict the effect of missense changes on protein structure and function output the following: SIFT: "Tolerated"; PolyPhen-2: "Benign"; Align-GVGD: "Class C0". The glutamine amino acid residue is found in multiple mammalian species, which suggests that this missense change does not adversely affect protein function. In summary, the available evidence is currently insufficient to determine the role of this variant in disease. Therefore, it has been classified as a Variant of Uncertain Significance.